The following is an entry in ClinVar:

ClinVar aggregate classification (germline): Pathogenic/Likely pathogenic. Review status: criteria provided, multiple submitters, no conflicts (2 of 4 stars). 4 submissions from 4 submitters: Pathogenic (2); Likely pathogenic (1). 1 of the submissions does not count toward it. Last evaluated 2025-12-27.

Conditions:
BBS1-related disorder. Also called: BBS1-related condition.
Bardet-Biedl syndrome (BBS). Identifiers: Orphanet 110, MedGen C0752166, MONDO:0015229.
Bardet-Biedl syndrome 1 (BBS1). Identifiers: MedGen C2936862, MONDO:0008854, OMIM 209900. Disease mechanism: loss of function.

Allele frequency attached by ClinVar (database versions not stated): gnomAD exomes below 0.00001.

Submissions (4):

GeneDx
Classification: Pathogenic. Last evaluated: 2025-12-27. Review status: criteria provided, single submitter. Criteria: GeneDx Variant Classification Process June 2021. Collection method: clinical testing. Allele origin: germline. Affected: yes.
Comment: Identified in an individual from a cohort with autosomal recessive inherited retinal diseases (PMID: 31964843); Frameshift variant predicted to result in protein truncation or nonsense mediated decay in a gene for which loss of function is a known mechanism of disease; Not observed at significant frequency in large population cohorts (gnomAD); This variant is associated with the following publications: (PMID: 31964843)

Labcorp Genetics (formerly Invitae), Labcorp
Classification: Pathogenic for Bardet-Biedl syndrome. Last evaluated: 2024-02-20. Review status: criteria provided, single submitter. Criteria: Invitae Variant Classification Sherloc (09022015). Collection method: clinical testing. Allele origin: germline.
Comment: This sequence change creates a premature translational stop signal (p.Ser7Ilefs*9) in the BBS1 gene. It is expected to result in an absent or disrupted protein product. Loss-of-function variants in BBS1 are known to be pathogenic (PMID: 12118255, 21520335, 27032803). This variant is present in population databases (no rsID available, gnomAD 0.0009%). This variant has not been reported in the literature in individuals affected with BBS1-related conditions. ClinVar contains an entry for this variant (Variation ID: 412283). For these reasons, this variant has been classified as Pathogenic.

Blueprint Genetics
Classification: Likely pathogenic for BBS1-related disorders. Last evaluated: 2019-06-29. Review status: criteria provided, single submitter. Criteria: ACMG Guidelines, 2015. Collection method: clinical testing. Allele origin: germline. Affected: yes. Observed: 4 variant alleles.

Counsyl
Classification: Likely pathogenic for Bardet-Biedl syndrome 1. Last evaluated: 2015-09-22. Review status: no assertion criteria provided. Collection method: clinical testing. Allele origin: unknown. Not counted in ClinVar's aggregate classification.

Literature cited by the submitters: PubMed 12118255 (cited by Labcorp Genetics (formerly Invitae), Labcorp); PubMed 21520335 (cited by Labcorp Genetics (formerly Invitae), Labcorp); PubMed 27032803 (cited by Labcorp Genetics (formerly Invitae), Labcorp).

NM_024649.5(BBS1):c.17dup (p.Ser7fs)

Gene: BBS1 (Bardet-Biedl syndrome 1; plus strand). Cytogenetic location: 11q13.2.
Variant type: Duplication.
Coding change: c.17dup on transcript NM_024649.5 (MANE Select); coding-DNA position 17, one base duplicated (C; older notation c.17dupC).
Protein change: p.Ser7fs; shifts the reading frame from serine 7.
Molecular consequence: frameshift variant.
Genome position (GRCh38, 1-based): chr11:66,510,676, C duplicated. VCF-style (leftmost placement, unchanged base first): chr11-66510675-T-TC. GRCh37 (hg19) VCF-style: chr11-66278146-T-TC.
Other names: c.17dup (NM_024649.4); short protein forms S7fs.
Identifiers: ClinVar variation 412283 (VCV000412283.15), dbSNP rs1166022838, ClinGen allele CA16613496.